The following is an entry in ClinVar:

NM_001242896.3(DEPDC5):c.4219C>T (p.Arg1407Trp)

Gene: DEPDC5 (DEP domain containing 5, GATOR1 subcomplex subunit; plus strand). Cytogenetic location: 22q12.3.
Variant type: single nucleotide variant.
Coding change: c.4219C>T on transcript NM_001242896.3 (MANE Select); coding-DNA position 4219, C replaced by T.
Protein change: p.Arg1407Trp; replaces arginine 1407 with tryptophan.
Molecular consequence: missense variant. On other transcripts: non-coding transcript variant (5).
Genome position (GRCh38, 1-based): chr22:31,897,497, C>T. VCF-style: chr22-31897497-C-T. GRCh37 (hg19) VCF-style: chr22-32293483-C-T.
Other names: c.4192C>T, p.Arg1398Trp (NM_001136029.4); c.3919C>T, p.Arg1307Trp (NM_001242897.2); c.4153C>T, p.Arg1385Trp (NM_001363852.2, NM_001364320.2); c.3985C>T, p.Arg1329Trp (NM_001363854.2, NM_001364319.2); c.4219C>T, p.Arg1407Trp (NM_001364318.2); c.4135C>T, p.Arg1379Trp (NM_001369901.1, NM_001369902.1); c.4126C>T, p.Arg1376Trp (NM_001369903.1, NM_014662.6); short protein forms R1307W, R1385W, R1398W, R1329W, R1376W, R1379W, R1407W.
Identifiers: ClinVar variation 1738798 (VCV001738798.2), dbSNP rs1277947396, ClinGen allele CA411288038.

ClinVar aggregate classification (germline): Uncertain significance (1 of 4 stars; one submission).

Conditions:
Inborn genetic diseases. Identifiers: MedGen C0950123, MeSH D030342.

Allele frequency attached by ClinVar (database versions not stated): gnomAD exomes below 0.00001; TOPMed below 0.00001.
gnomAD v4.1: 2 of 1,612,676 alleles (0.00012%); highest among the groups gnomAD compares: African/African-American, 0.0013%; no homozygotes.

Submission:

Ambry Genetics
Classification: Uncertain significance for Inborn genetic diseases. Last evaluated: 2018-06-12. Review status: criteria provided, single submitter. Criteria: Ambry Variant Classification Scheme 2023. Collection method: clinical testing. Allele origin: germline.
Comment: The p.R1407W variant (also known as c.4219C>T), located in coding exon 39 of the DEPDC5 gene, results from a C to T substitution at nucleotide position 4219. The arginine at codon 1407 is replaced by tryptophan, an amino acid with dissimilar properties. This amino acid position is highly conserved in available vertebrate species. In addition, the in silico prediction for this alteration is inconclusive. Since supporting evidence is limited at this time, the clinical significance of this alteration remains unclear.